The following is an entry in ClinVar:

ClinVar aggregate classification (germline): Conflicting classifications of pathogenicity. Review status: criteria provided, conflicting classifications (1 of 4 stars). 2 submissions from 2 submitters: Likely pathogenic (1); Uncertain significance (1). Last evaluated 2026-07-24.

Conditions:
Arginine:glycine amidinotransferase deficiency (CCDS3). Also called: L-Arginine:Glycine Amidinotransferase (AGAT) Deficiency; AGAT deficiency; L-Arginine:Glycine Amidinotransferase Deficiency; Cerebral creatine deficiency syndrome 3; Creatine deficiency syndrome due to AGAT deficiency; GATM deficiency. Identifiers: Orphanet 35704, MedGen C2675179, MONDO:0012996, OMIM 612718.
Inborn genetic diseases. Identifiers: MedGen C0950123, MeSH D030342.

Allele frequency attached by ClinVar (database versions not stated): TOPMed below 0.00001.

Submissions (2):

Center for Molecular Medicine, Children’s Hospital of Fudan University
Classification: Likely pathogenic for Arginine:glycine amidinotransferase deficiency. Last evaluated: 2026-07-24. Review status: criteria provided, single submitter. Criteria: ACMG Guidelines, 2015. Collection method: clinical testing. Allele origin: biparental. Affected: yes.
Comment: Not observed in large population cohorts gnomAD v4.1 (PM2_Supporting).

Ambry Genetics
Classification: Uncertain significance for Inborn genetic diseases. Last evaluated: 2024-01-19. Review status: criteria provided, single submitter. Criteria: Ambry Variant Classification Scheme 2023. Collection method: clinical testing. Allele origin: germline.

NM_001482.3(GATM):c.899A>G (p.Asn300Ser)

Gene: GATM (glycine amidinotransferase; minus strand). Cytogenetic location: 15q21.1.
Variant type: single nucleotide variant.
Coding change: c.899A>G on transcript NM_001482.3 (MANE Select); coding-DNA position 899, A replaced by G.
Protein change: p.Asn300Ser; replaces asparagine 300 with serine.
Molecular consequence: missense variant.
Genome position (GRCh38, 1-based): chr15:45,366,125, T>C on the plus strand (A>G on the coding strand, the complement: GATM is on the minus strand). VCF-style: chr15-45366125-T-C. GRCh37 (hg19) VCF-style: chr15-45658323-T-C.
Other names: c.512A>G, p.Asn171Ser (NM_001321015.2); short protein forms N300S, N171S.
Identifiers: ClinVar variation 3098813 (VCV003098813.2), dbSNP rs1889444443, ClinGen allele CA392257805.